The following is an entry in ClinVar:

ClinVar aggregate classification (germline): Uncertain significance (1 of 4 stars; one submission).

Allele frequency attached by ClinVar (database versions not stated): TOPMed 0.00002.

Submission:

Labcorp Genetics (formerly Invitae), Labcorp
Classification: Uncertain significance. Last evaluated: 2023-10-11. Review status: criteria provided, single submitter. Criteria: Invitae Variant Classification Sherloc (09022015). Collection method: clinical testing. Allele origin: germline.
Comment: This sequence change replaces glutamic acid, which is acidic and polar, with lysine, which is basic and polar, at codon 263 of the NEK2 protein (p.Glu263Lys). This variant is not present in population databases (gnomAD no frequency). This variant has not been reported in the literature in individuals affected with NEK2-related conditions. An algorithm developed to predict the effect of missense changes on protein structure and function (PolyPhen-2) suggests that this variant is likely to be disruptive. In summary, the available evidence is currently insufficient to determine the role of this variant in disease. Therefore, it has been classified as a Variant of Uncertain Significance.

NM_002497.4(NEK2):c.787G>A (p.Glu263Lys)

Gene: NEK2 (NIMA related kinase 2; minus strand). Cytogenetic location: 1q32.3.
Variant type: single nucleotide variant.
Coding change: c.787G>A on transcript NM_002497.4 (MANE Select); coding-DNA position 787, G replaced by A.
Protein change: p.Glu263Lys; replaces glutamic acid 263 with lysine.
Molecular consequence: missense variant.
Genome position (GRCh38, 1-based): chr1:211,669,311, C>T on the plus strand (G>A on the coding strand, the complement: NEK2 is on the minus strand). VCF-style: chr1-211669311-C-T. GRCh37 (hg19) VCF-style: chr1-211842653-C-T.
Other names: c.787G>A, p.Glu263Lys (NM_001204182.2, NM_001204183.2); short protein forms E263K.
Identifiers: ClinVar variation 2767649 (VCV002767649.3), dbSNP rs1655286373, ClinGen allele CA344779383.